The following is an entry in ClinVar:

NM_001145512.2(NFIA):c.21CTC[2] (p.Ser10del)

Genes: NFIA (nuclear factor I A; plus strand), LOC122056894 (Sharpr-MPRA regulatory region 5981; plus strand). Cytogenetic location: 1p31.3.
Variant type: Microsatellite.
Coding change: c.21CTC[2] on transcript NM_001145512.2; two copies in a row of the 3-base unit CTC starting at c.21; the reference has three copies in a row; one copy, 3 bases deleted.
Protein change: p.Ser10del; deletes serine 10.
Molecular consequence: inframe deletion. On other transcripts: intron variant (1).
Genome position (GRCh38, 1-based): chr1:61,081,970-61,081,972, CTC deleted; deleting any 3 consecutive bases within chr1:61,081,963-61,081,972 gives the same sequence; the position shown is the placement nearest the transcript's 3' end. VCF-style (leftmost placement, unchanged base first): chr1-61081962-GCCT-G. GRCh37 (hg19) VCF-style: chr1-61547634-GCCT-G.
Other names: c.3+4335CCT[2] (NM_001145511.2); short protein forms S10del.
Identifiers: ClinVar variation 4978516 (VCV004978516.1).

ClinVar aggregate classification (germline): Benign (1 of 4 stars; one submission).

Conditions:
NFIA-Related Disorder. Also called: NFIA-related condition; NFIA-related disorders. Identifiers: MedGen CN381099.

Submission:

PreventionGenetics, part of Exact Sciences
Classification: Benign for NFIA-related condition. Last evaluated: 2024-10-24. Review status: criteria provided, single submitter. Criteria: ACMG Guidelines, 2015. Collection method: clinical testing. Allele origin: germline.
Comment: This variant is classified as benign based on ACMG/AMP sequence variant interpretation guidelines (Richards et al. 2015 PMID: 25741868, with internal and published modifications).